The following is an entry in ClinVar:

ClinVar aggregate classification (germline): Uncertain significance (1 of 4 stars; one submission).

Conditions:
Malignant hyperthermia, susceptibility to, 1 (MHS1). Also called: RYR1-Related Malignant Hyperthermia Susceptibility; Anesthesia related hyperthermia; Malignant hyperpyrexia; Fulminating hyperpyrexia; Pharmacogenic myopathy; Malignant hyperthermia suceptibility 1. Identifiers: Orphanet 423, MedGen C2930980, MONDO:0007783, OMIM 145600.

Allele frequency attached by ClinVar (database versions not stated): gnomAD exomes below 0.00001; ExAC 0.00001.
gnomAD v4.1: 2 of 1,613,908 alleles (0.00012%); highest among the groups gnomAD compares: South Asian, 0.0022%; no homozygotes.

Submission:

All of Us Research Program, National Institutes of Health
Classification: Uncertain significance for Malignant hyperthermia, susceptibility to, 1. Last evaluated: 2023-04-03. Review status: criteria provided, single submitter. Criteria: ACMG Guidelines, 2015. Collection method: clinical testing. Allele origin: germline. Inheritance: Autosomal dominant inheritance. Observed: 1 variant allele, 1 heterozygote.
Comment: This variant is located in the RYR1 protein. To our knowledge, functional studies have not been reported for this variant. This variant has not been reported in individuals affected with RYR1-related disorders in the literature. This variant has been identified in 1/251424 chromosomes in the general population by the Genome Aggregation Database (gnomAD). The available evidence is insufficient to determine the role of this variant in disease conclusively. Therefore, this variant is classified as a Variant of Uncertain Significance.

This study involves interpretation of variants in research participants for the purpose of population health screening. Participant phenotype was not available at the time of variant classification. Additional details can be found in publication PMID: 35346344, PMCID: PMC8962531

NM_000540.3(RYR1):c.450C>T (p.His150=)

Gene: RYR1 (ryanodine receptor 1; plus strand). Cytogenetic location: 19q13.2.
Variant type: single nucleotide variant.
Coding change: c.450C>T on transcript NM_000540.3 (MANE Select); coding-DNA position 450, C replaced by T.
Protein change: p.His150=; no amino-acid change (histidine 150 retained).
Molecular consequence: synonymous variant.
Genome position (GRCh38, 1-based): chr19:38,444,174, C>T. VCF-style: chr19-38444174-C-T. GRCh37 (hg19) VCF-style: chr19-38934814-C-T.
Other names: c.450C>T, p.His150= (NM_001042723.2).
Identifiers: ClinVar variation 3070254 (VCV003070254.1), dbSNP rs747359133, ClinGen allele CA066169.